The following is an entry in ClinVar:

NM_017777.4(MKS1):c.262-160T>A

Gene: MKS1 (MKS transition zone complex subunit 1; minus strand). Cytogenetic location: 17q22.
Variant type: single nucleotide variant.
Coding change: c.262-160T>A on transcript NM_017777.4 (MANE Select); 160 bases into the intron before coding-DNA position 262, T replaced by A.
Molecular consequence: intron variant.
Genome position (GRCh38, 1-based): chr17:58,216,403, A>T on the plus strand (T>A on the coding strand, the complement: MKS1 is on the minus strand). VCF-style: chr17-58216403-A-T. GRCh37 (hg19) VCF-style: chr17-56293764-A-T.
Other names: c.-250-160T>A (NM_001321268.2); c.262-160T>A (NM_001330397.2, NM_001321269.2, NM_001411113.1).
Identifiers: ClinVar variation 3043711 (VCV003043711.2), dbSNP rs560662279, ClinGen allele CA292014842.

ClinVar aggregate classification (germline): Likely benign (0 of 4 stars; one submission).

Conditions:
MKS1-related disorder. Also called: MKS1-related disorders; MKS1-related condition. Identifiers: MedGen CN239382.

Allele frequency attached by ClinVar (database versions not stated): TOPMed 0.00007; gnomAD 0.00008; 1000 Genomes Project 30x 0.00047; 1000 Genomes Project 0.00080.
gnomAD v4.1: 12 of 152,392 alleles (0.0079%); highest among the groups gnomAD compares: African/African-American, 0.029%; no homozygotes.

Submission:

PreventionGenetics, part of Exact Sciences
Classification: Likely benign for MKS1-related condition. Last evaluated: 2021-06-01. Review status: no assertion criteria provided. Collection method: clinical testing. Allele origin: germline.
Comment: This variant is classified as likely benign based on ACMG/AMP sequence variant interpretation guidelines (Richards et al. 2015 PMID: 25741868, with internal and published modifications).